The following is an entry in ClinVar:

NM_014314.4(RIGI):c.1453C>A (p.Leu485Met)

Gene: RIGI (RNA sensor RIG-I; minus strand). Cytogenetic location: 9p21.1.
Variant type: single nucleotide variant.
Coding change: c.1453C>A on transcript NM_014314.4 (MANE Select); coding-DNA position 1453, C replaced by A.
Protein change: p.Leu485Met; replaces leucine 485 with methionine.
Molecular consequence: missense variant.
Genome position (GRCh38, 1-based): chr9:32,485,202, G>T on the plus strand (C>A on the coding strand, the complement: RIGI is on the minus strand). VCF-style: chr9-32485202-G-T. GRCh37 (hg19) VCF-style: chr9-32485200-G-T.
Other names: c.1447C>A, p.Leu483Met (NM_001385907.1); c.1453C>A, p.Leu485Met (NM_001385909.1); c.1012C>A, p.Leu338Met (NM_001385910.1); c.844C>A, p.Leu282Met (NM_001385912.1); c.1438C>A, p.Leu480Met (NM_001385913.1); c.1009C>A, p.Leu337Met (NM_001385914.1); c.1453C>A (NM_014314.3); short protein forms L338M, L337M, L480M, L483M, L485M, L282M.
Identifiers: ClinVar variation 1516856 (VCV001516856.7), dbSNP rs1230941994, ClinGen allele CA373154497.

ClinVar aggregate classification (germline): Uncertain significance. Review status: criteria provided, multiple submitters, no conflicts (2 of 4 stars). 2 submissions from 2 submitters: Uncertain significance (2). Last evaluated 2025-03-21.

Conditions:
Inborn genetic diseases. Identifiers: MedGen C0950123, MeSH D030342.

Allele frequency attached by ClinVar (database versions not stated): gnomAD 0.00001.
gnomAD v4.1: 13 of 1,606,824 alleles (0.00081%); highest among the groups gnomAD compares: African/African-American, 0.0013%; no homozygotes.

Submissions (2):

Ambry Genetics
Classification: Uncertain significance for Inborn genetic diseases. Last evaluated: 2025-03-21. Review status: criteria provided, single submitter. Criteria: Ambry Variant Classification Scheme 2023. Collection method: clinical testing. Allele origin: germline.

Labcorp Genetics (formerly Invitae), Labcorp
Classification: Uncertain significance. Last evaluated: 2022-07-11. Review status: criteria provided, single submitter. Criteria: Invitae Variant Classification Sherloc (09022015). Collection method: clinical testing. Allele origin: germline.
Comment: In summary, the available evidence is currently insufficient to determine the role of this variant in disease. Therefore, it has been classified as a Variant of Uncertain Significance. This sequence change replaces leucine, which is neutral and non-polar, with methionine, which is neutral and non-polar, at codon 485 of the DDX58 protein (p.Leu485Met). This variant is present in population databases (no rsID available, gnomAD 0.0009%). This variant has not been reported in the literature in individuals affected with DDX58-related conditions. ClinVar contains an entry for this variant (Variation ID: 1516856). Algorithms developed to predict the effect of missense changes on protein structure and function output the following: SIFT: "Tolerated"; PolyPhen-2: "Benign"; Align-GVGD: "Class C0". The methionine amino acid residue is found in multiple mammalian species, which suggests that this missense change does not adversely affect protein function.